The following is an entry in ClinVar:

ClinVar aggregate classification (germline): Uncertain significance (0 of 4 stars; one submission).

Conditions:
TJP2-related disorder. Also called: TJP2-related condition.

Submission:

PreventionGenetics, part of Exact Sciences
Classification: Uncertain significance for TJP2-related condition. Last evaluated: 2024-04-18. Review status: no assertion criteria provided. Collection method: clinical testing. Allele origin: germline.
Comment: The TJP2 c.2300C>T variant is predicted to result in the amino acid substitution p.Ser767Phe. To our knowledge, this variant has not been reported in the literature. This variant is reported in 0.00088% of alleles in individuals of European (Non-Finnish) descent in gnomAD. At this time, the clinical significance of this variant is uncertain due to the absence of conclusive functional and genetic evidence.

NM_004817.4(TJP2):c.2300C>T (p.Ser767Phe)

Gene: TJP2 (tight junction protein 2; plus strand). Cytogenetic location: 9q21.11.
Variant type: single nucleotide variant.
Coding change: c.2300C>T on transcript NM_004817.4 (MANE Select); coding-DNA position 2300, C replaced by T.
Protein change: p.Ser767Phe; replaces serine 767 with phenylalanine.
Molecular consequence: missense variant.
Genome position (GRCh38, 1-based): chr9:69,238,734, C>T. VCF-style: chr9-69238734-C-T. GRCh37 (hg19) VCF-style: chr9-71853650-C-T.
Other names: c.2231C>T, p.Ser744Phe (NM_001170414.2, NM_001369871.1); c.2312C>T, p.Ser771Phe (NM_001170415.1, NM_001369874.1, NM_001369875.1); c.2393C>T, p.Ser798Phe (NM_001170416.2); c.2225C>T, p.Ser742Phe (NM_001369870.1); c.2300C>T, p.Ser767Phe (NM_001369872.1, NM_001369873.1, NM_201629.3); short protein forms S742F, S744F, S767F, S771F, S798F.
Identifiers: ClinVar variation 3355429 (VCV003355429.1).
Genomic context (GRCh38, chr9:69,238,734, plus strand): 5'-AAACAATTATTTAGCTTCCTGTTTTTGCTTTTGCAGAAACGGAACCAAAAGATGCAGGAT[C>T]TGAGAAATCCACTGGAGTGGTCCGGTTAAATACCGTGAGGCAAATTATTGAACAGGTGAG-3'
Protein context (NP_004808.2, residues 757-777): TAKTEPKDAG[Ser767Phe]EKSTGVVRLN